The following is an entry in ClinVar:

ClinVar aggregate classification (germline): Uncertain significance (1 of 4 stars; one submission).

Submission:

Ambry Genetics
Classification: Uncertain significance. Last evaluated: 2021-12-12. Review status: criteria provided, single submitter. Criteria: Ambry Variant Classification Scheme 2023. Collection method: clinical testing. Allele origin: germline.
Comment: The p.M810K variant (also known as c.2429T>A), located in coding exon 13 of the NPAT gene, results from a T to A substitution at nucleotide position 2429. The methionine at codon 810 is replaced by lysine, an amino acid with similar properties. This amino acid position is conserved. In addition, this alteration is predicted to be tolerated by in silico analysis. Since supporting evidence is limited at this time, the clinical significance of this alteration remains unclear.

NM_002519.3(NPAT):c.2429T>A (p.Met810Lys)

Gene: NPAT (nuclear protein, coactivator of histone transcription; minus strand). Cytogenetic location: 11q22.3.
Variant type: single nucleotide variant.
Coding change: c.2429T>A on transcript NM_002519.3 (MANE Select); coding-DNA position 2429, T replaced by A.
Protein change: p.Met810Lys; replaces methionine 810 with lysine.
Molecular consequence: missense variant.
Genome position (GRCh38, 1-based): chr11:108,172,555, A>T on the plus strand (T>A on the coding strand, the complement: NPAT is on the minus strand). VCF-style: chr11-108172555-A-T. GRCh37 (hg19) VCF-style: chr11-108043282-A-T.
Other names: c.2429T>A, p.Met810Lys (NM_001321307.1); short protein forms M810K.
Identifiers: ClinVar variation 1791129 (VCV001791129.2), dbSNP rs191443250, ClinGen allele CA382513006.